The following is an entry in ClinVar:

ClinVar aggregate classification (germline): Uncertain significance (1 of 4 stars; one submission).

Conditions:
Epileptic encephalopathy. Identifiers: MedGen C0543888, HP:0200134.

Allele frequency attached by ClinVar (database versions not stated): gnomAD 0.00001 and 0.00002; TOPMed 0.00001; gnomAD exomes 0.00002; ExAC 0.00003.
gnomAD v4.1: 16 of 1,613,498 alleles (0.00099%); highest among the groups gnomAD compares: Admixed American, 0.01%; no homozygotes.

Submission:

Labcorp Genetics (formerly Invitae), Labcorp
Classification: Uncertain significance for Epileptic encephalopathy. Last evaluated: 2023-07-07. Review status: criteria provided, single submitter. Criteria: Invitae Variant Classification Sherloc (09022015). Collection method: clinical testing. Allele origin: germline.
Comment: ClinVar contains an entry for this variant (Variation ID: 852937). In summary, the available evidence is currently insufficient to determine the role of this variant in disease. Therefore, it has been classified as a Variant of Uncertain Significance. Advanced modeling of protein sequence and biophysical properties (such as structural, functional, and spatial information, amino acid conservation, physicochemical variation, residue mobility, and thermodynamic stability) performed at Invitae indicates that this missense variant is not expected to disrupt RYR3 protein function. This missense change has been observed in individual(s) with primary ovarian insufficiency (PMID: 34480478). This variant is present in population databases (rs772909971, gnomAD 0.01%). This sequence change replaces threonine, which is neutral and polar, with methionine, which is neutral and non-polar, at codon 2981 of the RYR3 protein (p.Thr2981Met).

Literature cited by the submitters: PubMed 34480478.

NM_001036.6(RYR3):c.8942C>T (p.Thr2981Met)

Gene: RYR3 (ryanodine receptor 3; plus strand). Cytogenetic location: 15q14.
Variant type: single nucleotide variant.
Coding change: c.8942C>T on transcript NM_001036.6 (MANE Select); coding-DNA position 8942, C replaced by T.
Protein change: p.Thr2981Met; replaces threonine 2981 with methionine.
Molecular consequence: missense variant.
Genome position (GRCh38, 1-based): chr15:33,772,045, C>T. VCF-style: chr15-33772045-C-T. GRCh37 (hg19) VCF-style: chr15-34064246-C-T.
Other names: c.8942C>T, p.Thr2981Met (NM_001243996.4); short protein forms T2981M.
Identifiers: ClinVar variation 852937 (VCV000852937.9), dbSNP rs772909971, ClinGen allele CA7460369.